The following is an entry in ClinVar:

NM_000426.4(LAMA2):c.7945del (p.Asn2648_Leu2649insTer)

Gene: LAMA2 (laminin subunit alpha 2; plus strand). Cytogenetic location: 6q22.33.
Variant type: Deletion.
Coding change: c.7945del on transcript NM_000426.4 (MANE Select); coding-DNA position 7945, one base deleted (C; older notation c.7945delC).
Protein change: p.Asn2648_Leu2649insTer.
Molecular consequence: nonsense.
Genome position (GRCh38, 1-based): chr6:129,491,947, C deleted; the last of 2 consecutive C bases (chr6:129,491,946-129,491,947); deleting either gives the same sequence. VCF-style (leftmost placement, unchanged base first): chr6-129491945-AC-A. GRCh37 (hg19) VCF-style: chr6-129813090-AC-A.
Other names: c.7933del, p.Asn2644_Leu2645insTer (NM_001079823.2).
Identifiers: ClinVar variation 1364003 (VCV001364003.6), dbSNP rs2114859580, ClinGen allele CA2573140507.

ClinVar aggregate classification (germline): Pathogenic (1 of 4 stars; one submission).

Conditions:
LAMA2-related muscular dystrophy (LAMA2-RD). Also called: Laminin alpha 2-related dystrophy. Identifiers: MedGen C5679788, MONDO:0100228.

Submission:

Labcorp Genetics (formerly Invitae), Labcorp
Classification: Pathogenic for LAMA2-related muscular dystrophy. Last evaluated: 2021-05-09. Review status: criteria provided, single submitter. Criteria: Invitae Variant Classification Sherloc (09022015). Collection method: clinical testing. Allele origin: germline.
Comment: For these reasons, this variant has been classified as Pathogenic. This variant has not been reported in the literature in individuals with LAMA2-related conditions. This variant is not present in population databases (ExAC no frequency). This sequence change creates a premature translational stop signal (p.Leu2649*) in the LAMA2 gene. It is expected to result in an absent or disrupted protein product. Loss-of-function variants in LAMA2 are known to be pathogenic (PMID: 18700894).

Literature cited by the submitters: PubMed 18700894.